The following is an entry in ClinVar:

ClinVar aggregate classification (germline): Likely benign. Review status: criteria provided, multiple submitters, no conflicts (2 of 4 stars). 4 submissions from 4 submitters: Likely benign (3). 1 of the submissions does not count toward it. Last evaluated 2025-11-24.

Conditions:
Dystrophin deficiency.
Cardiomyopathy (CMYO). Also called: Cardiomyopathies. Identifiers: Orphanet 167848, MedGen C0878544, MONDO:0004994, HP:0001638. Inheritance: Various modes of inheritance.
Becker muscular dystrophy (BMD). Also called: Becker Muscular Dystrophy (BMD); MUSCULAR DYSTROPHY, PSEUDOHYPERTROPHIC PROGRESSIVE, BECKER TYPE. Identifiers: Orphanet 98895, MedGen C0917713, MONDO:0010311, OMIM 300376.
Duchenne muscular dystrophy (DMD). Also called: MUSCULAR DYSTROPHY, PSEUDOHYPERTROPHIC PROGRESSIVE, DUCHENNE TYPE; Duchenne Muscular Dystrophy (DMD). Identifiers: Orphanet 98896, MedGen C0013264, MONDO:0010679, OMIM 310200.
Cardiovascular phenotype. Identifiers: MedGen CN230736.

Allele frequency attached by ClinVar (database versions not stated): gnomAD exomes 0.00001; TOPMed 0.00002.
gnomAD v4.1: 11 of 1,209,063 alleles (0.00091%); highest among the groups gnomAD compares: East Asian, 0.003%; no homozygotes.

Submissions (4):

Labcorp Genetics (formerly Invitae), Labcorp
Classification: Likely benign for Duchenne muscular dystrophy. Last evaluated: 2025-11-24. Review status: criteria provided, single submitter. Criteria: Invitae Variant Classification Sherloc (09022015). Collection method: clinical testing. Allele origin: germline.

CeGaT Center for Human Genetics Tuebingen
Classification: Likely benign. Last evaluated: 2025-09-01. Review status: criteria provided, single submitter. Criteria: CeGaT Center For Human Genetics Tuebingen Variant Classification Criteria Version 2. Collection method: clinical testing. Allele origin: germline. Affected: yes. Observed: 1 variant allele.
Comment: DMD: BP4, BS2

Ambry Genetics
Classification: Likely benign for Cardiovascular phenotype. Last evaluated: 2024-09-23. Review status: criteria provided, single submitter. Criteria: Ambry Variant Classification Scheme 2023. Collection method: clinical testing. Allele origin: germline.

Natera, Inc.
Classification: Uncertain significance for Becker muscular dystrophy; Cardiomyopathy; Duchenne muscular dystrophy; Dystrophin deficiency. Last evaluated: 2020-04-20. Review status: no assertion criteria provided. Collection method: clinical testing. Allele origin: germline. Not counted in ClinVar's aggregate classification.

Literature cited by the submitters: PubMed 28798025 (cited by Ambry Genetics).

NM_004006.3(DMD):c.6200C>T (p.Thr2067Met)

Gene: DMD (dystrophin; minus strand). Cytogenetic location: Xp21.1.
Variant type: single nucleotide variant.
Coding change: c.6200C>T on transcript NM_004006.3 (MANE Select); coding-DNA position 6200, C replaced by T.
Protein change: p.Thr2067Met; replaces threonine 2067 with methionine.
Molecular consequence: missense variant.
Genome position (GRCh38, 1-based): chrX:32,287,619, G>A on the plus strand (C>T on the coding strand, the complement: DMD is on the minus strand). VCF-style: chrX-32287619-G-A. GRCh37 (hg19) VCF-style: chrX-32305736-G-A.
Other names: c.6176C>T, p.Thr2059Met (NM_000109.4); c.6188C>T, p.Thr2063Met (NM_004009.3); c.5831C>T, p.Thr1944Met (NM_004010.3); c.2177C>T, p.Thr726Met (NM_004011.4); c.2168C>T, p.Thr723Met (NM_004012.4); short protein forms T2067M, T1944M, T2059M, T2063M, T726M, T723M.
Identifiers: ClinVar variation 518745 (VCV000518745.21), dbSNP rs1405599353, ClinGen allele CA412666100.